The following is an entry in ClinVar:

ClinVar aggregate classification (germline): Likely benign. Review status: criteria provided, multiple submitters, no conflicts (2 of 4 stars). 2 submissions from 2 submitters: Likely benign (2). Last evaluated 2025-03-18.

Allele frequency attached by ClinVar (database versions not stated): ESP Exome Variant Server 0.00008.
gnomAD v4.1: 16 of 1,607,892 alleles (0.001%); highest among the groups gnomAD compares: South Asian, 0.0066%; no homozygotes.

Submissions (2):

Labcorp Genetics (formerly Invitae), Labcorp
Classification: Likely benign. Last evaluated: 2025-03-18. Review status: criteria provided, single submitter. Criteria: Invitae Variant Classification Sherloc (09022015). Collection method: clinical testing. Allele origin: germline.

CeGaT Center for Human Genetics Tuebingen
Classification: Likely benign. Last evaluated: 2022-06-01. Review status: criteria provided, single submitter. Criteria: CeGaT Center For Human Genetics Tuebingen Variant Classification Criteria Version 2. Collection method: clinical testing. Allele origin: germline. Affected: yes. Observed: 1 variant allele.
Comment: ERBB4: BP4, BP7

NM_005235.3(ERBB4):c.3129G>A (p.Ser1043=)

Gene: ERBB4 (erb-b2 receptor tyrosine kinase 4; minus strand). Cytogenetic location: 2q34.
Variant type: single nucleotide variant.
Coding change: c.3129G>A on transcript NM_005235.3 (MANE Select); coding-DNA position 3129, G replaced by A.
Protein change: p.Ser1043=; no amino-acid change (serine 1043 retained).
Molecular consequence: synonymous variant.
Genome position (GRCh38, 1-based): chr2:211,420,447, C>T on the plus strand (G>A on the coding strand, the complement: ERBB4 is on the minus strand). VCF-style: chr2-211420447-C-T. GRCh37 (hg19) VCF-style: chr2-212285172-C-T.
Other names: c.3129G>A, p.Ser1043= (NM_001042599.2).
Identifiers: ClinVar variation 1922637 (VCV001922637.29), dbSNP rs372014839, ClinGen allele CA2087543.
Genomic context (GRCh38, chr2:211,420,447, plus strand): 5'-ACATGATTTTATATCTCAGAAAGAATATGATATGTGTATATAATTATTTCTTACCCTATT[C>T]GAGTCAATTCTTGCTCTGGAAGTATAGATGGGAGGTGGGATGTTGAAAGCCTGAGGGACC-3'
Protein context (NP_005226.1, residues 1033-1053): PIYTSRARID[Ser1043=]NRSEIGHSPP